The following is an entry in ClinVar:

NM_001035.3(RYR2):c.8496A>G (p.Thr2832=)

Gene: RYR2 (ryanodine receptor 2; plus strand). Cytogenetic location: 1q43.
Variant type: single nucleotide variant.
Coding change: c.8496A>G on transcript NM_001035.3 (MANE Select); coding-DNA position 8496, A replaced by G.
Protein change: p.Thr2832=; no amino-acid change (threonine 2832 retained).
Molecular consequence: synonymous variant.
Genome position (GRCh38, 1-based): chr1:237,666,571, A>G. VCF-style: chr1-237666571-A-G. GRCh37 (hg19) VCF-style: chr1-237829871-A-G.
Other names: c.8496A>G (NM_001035.2).
Identifiers: ClinVar variation 928313 (VCV000928313.15), dbSNP rs375915461, ClinGen allele CA087656.

ClinVar aggregate classification (germline): Likely benign. Review status: criteria provided, multiple submitters, no conflicts (2 of 4 stars). 4 submissions from 4 submitters: Likely benign (4). Last evaluated 2026-01-14.

Conditions:
Catecholaminergic polymorphic ventricular tachycardia 1. Also called: VENTRICULAR TACHYCARDIA, CATECHOLAMINERGIC POLYMORPHIC, 1, WITH OR WITHOUT ATRIAL DYSFUNCTION AND/OR DILATED CARDIOMYOPATHY; VENTRICULAR TACHYCARDIA, STRESS-INDUCED POLYMORPHIC 1; RYR2-Related Catecholaminergic Polymorphic Ventricular Tachycardia. Identifiers: Orphanet 3286, MedGen C1631597, MONDO:0011484, OMIM 604772.
Cardiovascular phenotype. Identifiers: MedGen CN230736.
Catecholaminergic polymorphic ventricular tachycardia (CVPT). Also called: Catecholamine-induced polymorphic ventricular tachycardia. Identifiers: Orphanet 3286, MedGen C5574922, MONDO:0017990.
Cardiomyopathy (CMYO). Also called: Cardiomyopathies. Identifiers: Orphanet 167848, MedGen C0878544, MONDO:0004994, HP:0001638. Inheritance: Various modes of inheritance.

Allele frequency attached by ClinVar (database versions not stated): ExAC 0.00001; gnomAD 0.00001; gnomAD exomes 0.00001; TOPMed 0.00001; ESP Exome Variant Server 0.00008.
gnomAD v4.1: 19 of 1,612,472 alleles (0.0012%); highest among the groups gnomAD compares: East Asian, 0.0022%; no homozygotes.

Submissions (4):

Labcorp Genetics (formerly Invitae), Labcorp
Classification: Likely benign for Catecholaminergic polymorphic ventricular tachycardia 1. Last evaluated: 2026-01-14. Review status: criteria provided, single submitter. Criteria: Invitae Variant Classification Sherloc (09022015). Collection method: clinical testing. Allele origin: germline.

All of Us Research Program, National Institutes of Health
Classification: Likely benign for Catecholaminergic polymorphic ventricular tachycardia. Last evaluated: 2023-12-01. Review status: criteria provided, single submitter. Criteria: ACMG Guidelines, 2015. Collection method: clinical testing. Allele origin: germline. Inheritance: Autosomal dominant inheritance. Observed: 4 variant alleles, 4 heterozygotes.
Comment: This study involves interpretation of variants in research participants for the purpose of population health screening. Participant phenotype was not available at the time of variant classification. Additional details can be found in publication PMID: 35346344, PMCID: PMC8962531

Ambry Genetics
Classification: Likely benign for Cardiovascular phenotype. Last evaluated: 2023-03-16. Review status: criteria provided, single submitter. Criteria: Ambry Variant Classification Scheme 2023. Collection method: clinical testing. Allele origin: germline.

Color Diagnostics, LLC DBA Color Health
Classification: Likely benign for Cardiomyopathy. Last evaluated: 2018-12-10. Review status: criteria provided, single submitter. Criteria: ACMG Guidelines, 2015. Collection method: clinical testing. Allele origin: germline.